The following is an entry in ClinVar:

ClinVar aggregate classification (germline): Uncertain significance. Review status: criteria provided, multiple submitters, no conflicts (2 of 4 stars). 2 submissions from 2 submitters: Uncertain significance (2). Last evaluated 2024-08-26.

Conditions:
Brugada syndrome. Also called: Sudden unexpected nocturnal death syndrome; Sudden unexplained nocturnal death syndrome; Sudden Unexplained Death Syndrome; Sudden Unexplained Nocturnal Death Syndrome (SUNDS). Identifiers: Orphanet 130, MedGen C1142166, MONDO:0015263.

Allele frequency attached by ClinVar (database versions not stated): gnomAD exomes below 0.00001.
gnomAD v4.1: 2 of 1,613,712 alleles (0.00012%); highest among the groups gnomAD compares: Non-Finnish European, 0.00017%; no homozygotes.

Submissions (2):

GeneDx
Classification: Uncertain significance. Last evaluated: 2024-08-26. Review status: criteria provided, single submitter. Criteria: GeneDx Variant Classification Process June 2021. Collection method: clinical testing. Allele origin: germline. Affected: yes.
Comment: Has not been previously published as pathogenic or benign to our knowledge; Not observed at significant frequency in large population cohorts (gnomAD); In silico analysis indicates that this missense variant does not alter protein structure/function

Labcorp Genetics (formerly Invitae), Labcorp
Classification: Uncertain significance for Brugada syndrome. Last evaluated: 2022-05-17. Review status: criteria provided, single submitter. Criteria: Invitae Variant Classification Sherloc (09022015). Collection method: clinical testing. Allele origin: germline.
Comment: This sequence change replaces threonine, which is neutral and polar, with alanine, which is neutral and non-polar, at codon 204 of the SCN10A protein (p.Thr204Ala). This variant is not present in population databases (gnomAD no frequency). This variant has not been reported in the literature in individuals affected with SCN10A-related conditions. Advanced modeling of protein sequence and biophysical properties (such as structural, functional, and spatial information, amino acid conservation, physicochemical variation, residue mobility, and thermodynamic stability) performed at Invitae indicates that this missense variant is not expected to disrupt SCN10A protein function. In summary, the available evidence is currently insufficient to determine the role of this variant in disease. Therefore, it has been classified as a Variant of Uncertain Significance.

NM_006514.4(SCN10A):c.610A>G (p.Thr204Ala)

Gene: SCN10A (sodium voltage-gated channel alpha subunit 10; minus strand). Cytogenetic location: 3p22.2.
Variant type: single nucleotide variant.
Coding change: c.610A>G on transcript NM_006514.4 (MANE Select); coding-DNA position 610, A replaced by G.
Protein change: p.Thr204Ala; replaces threonine 204 with alanine.
Molecular consequence: missense variant.
Genome position (GRCh38, 1-based): chr3:38,763,586, T>C on the plus strand (A>G on the coding strand, the complement: SCN10A is on the minus strand). VCF-style: chr3-38763586-T-C. GRCh37 (hg19) VCF-style: chr3-38805077-T-C.
Other names: c.610A>G, p.Thr204Ala (NM_001293306.2, NM_001293307.2); c.610A>G (NM_006514.2); short protein forms T204A.
Identifiers: ClinVar variation 2130858 (VCV002130858.2), dbSNP rs2470816526, ClinGen allele CA352172214.